The following is an entry in ClinVar:

NM_172107.4(KCNQ2):c.551C>A (p.Ala184Asp)

Gene: KCNQ2 (potassium voltage-gated channel subfamily Q member 2; minus strand). Cytogenetic location: 20q13.33.
Variant type: single nucleotide variant.
Coding change: c.551C>A on transcript NM_172107.4 (MANE Select); coding-DNA position 551, C replaced by A.
Protein change: p.Ala184Asp; replaces alanine 184 with aspartic acid.
Molecular consequence: missense variant.
Genome position (GRCh38, 1-based): chr20:63,444,798, G>T on the plus strand (C>A on the coding strand, the complement: KCNQ2 is on the minus strand). VCF-style: chr20-63444798-G-T. GRCh37 (hg19) VCF-style: chr20-62076151-G-T.
Other names: c.551C>A, p.Ala184Asp (NM_001382235.1, NM_004518.6, NM_172106.3 and 2 more transcripts); short protein forms A184D.
Identifiers: ClinVar variation 3730937 (VCV003730937.1).

ClinVar aggregate classification (germline): Pathogenic (1 of 4 stars; one submission).

Submission:

GeneDx
Classification: Pathogenic. Last evaluated: 2024-08-13. Review status: criteria provided, single submitter. Criteria: GeneDx Variant Classification Process June 2021. Collection method: clinical testing. Allele origin: germline. Affected: yes.
Comment: Has not been previously published as pathogenic or benign to our knowledge; This substitution is predicted to be within the transmembrane segment S3; In silico analysis supports that this missense variant has a deleterious effect on protein structure/function; Not observed at significant frequency in large population cohorts (gnomAD)